The following is an entry in ClinVar:

NM_001267550.2(TTN):c.31267A>G (p.Lys10423Glu)

Gene: TTN (titin; minus strand). Cytogenetic location: 2q31.2.
Variant type: single nucleotide variant.
Coding change: c.31267A>G on transcript NM_001267550.2 (MANE Select); coding-DNA position 31267, A replaced by G.
Protein change: p.Lys10423Glu; replaces lysine 10423 with glutamic acid.
Molecular consequence: missense variant. On other transcripts: intron variant (3).
Genome position (GRCh38, 1-based): chr2:178,695,351, T>C on the plus strand (A>G on the coding strand, the complement: TTN is on the minus strand). VCF-style: chr2-178695351-T-C. GRCh37 (hg19) VCF-style: chr2-179560078-T-C.
Other names: c.30316A>G, p.Lys10106Glu (NM_001256850.1); c.27535A>G, p.Lys9179Glu (NM_133378.4); c.13282+42731A>G (NM_003319.4); c.13858+42731A>G (NM_133437.4); c.13657+42731A>G (NM_133432.3); short protein forms K10106E, K10423E, K9179E.
Identifiers: ClinVar variation 3347083 (VCV003347083.1).
Genomic context (GRCh38, chr2:178,695,351, plus strand): 5'-CAAGCCATGATAATGATGTTGATGCTCTAGTCTATTTAAATATTTCTAATTACTTACCTT[T>C]AGGAGGTGGTGGTGCTTTCTTTTCAGGTACTTTGGCTGGAACTTTTCTCTCATGTGATTC-3'
Protein context (NP_001254479.2, residues 10413-10433): VPEKKAPPPP[Lys10423Glu]VIKKPVIEKI

ClinVar aggregate classification (germline): Uncertain significance (0 of 4 stars; one submission).

Conditions:
TTN-related disorder. Also called: TTN-related disorders; TTN-related condition; TTN-related disease.

gnomAD v4.1: 1 of 1,611,228 alleles (0.000062%); highest among the groups gnomAD compares: Non-Finnish European, 0.000085%; no homozygotes.

Submission:

PreventionGenetics, part of Exact Sciences
Classification: Uncertain significance for TTN-related condition. Last evaluated: 2024-06-19. Review status: no assertion criteria provided. Collection method: clinical testing. Allele origin: germline.
Comment: The TTN c.31267A>G variant is predicted to result in the amino acid substitution p.Lys10423Glu. To our knowledge, this variant has not been reported in the literature or in a large population database, indicating this variant is rare. At this time, the clinical significance of this variant is uncertain due to the absence of conclusive functional and genetic evidence.